The following is an entry in ClinVar:

ClinVar aggregate classification (germline): Pathogenic (1 of 4 stars; one submission).

Conditions:
Hereditary cancer-predisposing syndrome. Also called: Neoplastic Syndromes, Hereditary; Tumor predisposition; Hereditary Cancer Syndrome; Hereditary neoplastic syndrome. Identifiers: Orphanet 140162, MedGen C0027672, MeSH D009386, MONDO:0015356.

Submission:

Ambry Genetics
Classification: Pathogenic for Hereditary cancer-predisposing syndrome. Last evaluated: 2021-08-09. Review status: criteria provided, single submitter. Criteria: Ambry Variant Classification Scheme 2023. Collection method: clinical testing. Allele origin: germline.
Comment: The c.2247dupT pathogenic mutation, located in coding exon 10 of the BRCA2 gene, results from a duplication of T at nucleotide position 2247, causing a translational frameshift with a predicted alternate stop codon (p.D750*). This variant is considered to be rare based on population cohorts in the Genome Aggregation Database (gnomAD). This alteration is expected to result in loss of function by premature protein truncation or nonsense-mediated mRNA decay. As such, this alteration is interpreted as a disease-causing mutation.

NM_000059.4(BRCA2):c.2247dup (p.Asp750Ter)

Gene: BRCA2 (BRCA2 DNA repair associated; plus strand). Cytogenetic location: 13q13.1.
Variant type: Duplication.
Coding change: c.2247dup on transcript NM_000059.4 (MANE Select); coding-DNA position 2247, one base duplicated (T; older notation c.2247dupT).
Protein change: p.Asp750Ter; replaces aspartic acid 750 with a stop codon.
Molecular consequence: nonsense. On other transcripts: frameshift variant (3).
Genome position (GRCh38, 1-based): chr13:32,336,602, T duplicated. VCF-style (leftmost placement, unchanged base first): chr13-32336601-G-GT. GRCh37 (hg19) VCF-style: chr13-32910738-G-GT.
Other names: c.2247dup, p.Asp750Terfs (NM_001406719.1, NM_001406720.1); c.2247dupT (NM_000059.3); short protein forms D750*.
Identifiers: ClinVar variation 1788358 (VCV001788358.2), dbSNP rs2548523486, ClinGen allele CA2580087255.